The following is an entry in ClinVar:

NM_004369.4(COL6A3):c.4327A>C (p.Ser1443Arg)

Gene: COL6A3 (collagen type VI alpha 3 chain; minus strand). Cytogenetic location: 2q37.3.
Variant type: single nucleotide variant.
Coding change: c.4327A>C on transcript NM_004369.4 (MANE Select); coding-DNA position 4327, A replaced by C.
Protein change: p.Ser1443Arg; replaces serine 1443 with arginine.
Molecular consequence: missense variant.
Genome position (GRCh38, 1-based): chr2:237,369,136, T>G on the plus strand (A>C on the coding strand, the complement: COL6A3 is on the minus strand). VCF-style: chr2-237369136-T-G. GRCh37 (hg19) VCF-style: chr2-238277779-T-G.
Other names: c.2506A>C, p.Ser836Arg (NM_057166.5); c.3709A>C, p.Ser1237Arg (NM_057167.4); short protein forms S1237R, S1443R, S836R.
Identifiers: ClinVar variation 3385004 (VCV003385004.1).

ClinVar aggregate classification (germline): Uncertain significance (1 of 4 stars; one submission).

Submission:

Women's Health and Genetics/Laboratory Corporation of America, LabCorp
Classification: Uncertain significance. Last evaluated: 2024-10-31. Review status: criteria provided, single submitter. Criteria: LabCorp Variant Classification Summary - May 2015. Collection method: clinical testing. Allele origin: germline.
Comment: Variant summary: COL6A3 c.4327A>C (p.Ser1443Arg) results in a non-conservative amino acid change located in the von Willebrand factor, type A domain (IPR002035) of the encoded protein sequence. Five of five in-silico tools predict a damaging effect of the variant on protein function. The variant was absent in 248634 control chromosomes (gnomAD). The available data on variant occurrences in the general population are insufficient to allow any conclusion about variant significance. To our knowledge, no occurrence of c.4327A>C in individuals affected with Ullrich congenital muscular dystrophy 1-AR and no experimental evidence demonstrating its impact on protein function have been reported. No submitters have cited clinical-significance assessments for this variant to ClinVar. Based on the evidence outlined above, the variant was classified as uncertain significance.